The following is an entry in ClinVar:

NM_001148.6(ANK2):c.4959G>C (p.Glu1653Asp)

Gene: ANK2 (ankyrin 2; plus strand). Cytogenetic location: 4q26.
Variant type: single nucleotide variant.
Coding change: c.4959G>C on transcript NM_001148.6 (MANE Select); coding-DNA position 4959, G replaced by C.
Protein change: p.Glu1653Asp; replaces glutamic acid 1653 with aspartic acid.
Molecular consequence: missense variant. On other transcripts: intron variant (68).
Genome position (GRCh38, 1-based): chr4:113,353,577, G>C. VCF-style: chr4-113353577-G-C. GRCh37 (hg19) VCF-style: chr4-114274733-G-C.
Other names: c.4725G>C, p.Glu1575Asp (NM_001386142.1); c.1359G>C, p.Glu453Asp (NM_001386166.1); c.5100G>C, p.Glu1700Asp (NM_001386174.1); c.5076G>C, p.Glu1692Asp (NM_001386175.1); c.4411+3328G>C (NM_001386186.2, NM_001386148.2); c.4213+3328G>C (NM_001354269.3); c.4291+3328G>C (NM_001386187.2); c.4252+3328G>C (NM_001386147.1); and 35 more; short protein forms E1653D, E1575D, E1692D, E1700D, E453D.
Identifiers: ClinVar variation 526919 (VCV000526919.6), dbSNP rs1268423479, ClinGen allele CA357917562.
Genomic context (GRCh38, chr4:113,353,577, plus strand): 5'-AACTGGGCTAGTGAACTACCTTACTGATGATCTGAATACCTGTGTGCCTCTTCCCAAAGA[G>C]CAGCTGCAGACAGTTCAAGATAAGGCAGGGAAGAAATGTGAGGCTCTGGCTGTTGGCAGG-3'
Protein context (NP_001139.3, residues 1643-1663): DLNTCVPLPK[Glu1653Asp]QLQTVQDKAG

ClinVar aggregate classification (germline): Uncertain significance. Review status: criteria provided, multiple submitters, no conflicts (2 of 4 stars). 2 submissions from 2 submitters: Uncertain significance (2). Last evaluated 2023-10-19.

Conditions:
Long QT syndrome (LQTS). Identifiers: MedGen C0023976, MeSH D008133, MONDO:0002442. Disease mechanism: loss of function. Inheritance: Various modes of inheritance.
Cardiovascular phenotype. Identifiers: MedGen CN230736.

Allele frequency attached by ClinVar (database versions not stated): gnomAD exomes below 0.00001.
gnomAD v4.1: 2 of 1,613,970 alleles (0.00012%); highest among the groups gnomAD compares: Non-Finnish European, 0.000085%; no homozygotes.

Submissions (2):

Ambry Genetics
Classification: Uncertain significance for Cardiovascular phenotype. Last evaluated: 2023-10-19. Review status: criteria provided, single submitter. Criteria: Ambry Variant Classification Scheme 2023. Collection method: clinical testing. Allele origin: germline.
Comment: The p.E1653D variant (also known as c.4959G>C), located in coding exon 38 of the ANK2 gene, results from a G to C substitution at nucleotide position 4959. The glutamic acid at codon 1653 is replaced by aspartic acid, an amino acid with highly similar properties. This amino acid position is conserved. In addition, this alteration is predicted to be tolerated by in silico analysis. Since supporting evidence is limited at this time, the clinical significance of this alteration remains unclear.

Labcorp Genetics (formerly Invitae), Labcorp
Classification: Uncertain significance for Long QT syndrome. Last evaluated: 2022-03-18. Review status: criteria provided, single submitter. Criteria: Invitae Variant Classification Sherloc (09022015). Collection method: clinical testing. Allele origin: germline.
Comment: In summary, the available evidence is currently insufficient to determine the role of this variant in disease. Therefore, it has been classified as a Variant of Uncertain Significance. Algorithms developed to predict the effect of missense changes on protein structure and function (SIFT, PolyPhen-2, Align-GVGD) all suggest that this variant is likely to be tolerated. ClinVar contains an entry for this variant (Variation ID: 526919). This missense change has been observed in individual(s) with clinical features of ANK2-related conditions (Invitae). This variant is present in population databases (no rsID available, gnomAD 0.007%). This sequence change replaces glutamic acid, which is acidic and polar, with aspartic acid, which is acidic and polar, at codon 1653 of the ANK2 protein (p.Glu1653Asp).